The following is an entry in ClinVar:

ClinVar aggregate classification (germline): Uncertain significance (1 of 4 stars; one submission).

Conditions:
Hereditary spastic paraplegia 39 (SPG39). Also called: SPASTIC PARAPLEGIA 39, AUTOSOMAL RECESSIVE; Spastic Paraplegia Type 39 (SPG39). Identifiers: Orphanet 139480, MedGen C2677586, MONDO:0012787, OMIM 612020.

Submission:

Labcorp Genetics (formerly Invitae), Labcorp
Classification: Uncertain significance for Hereditary spastic paraplegia 39. Last evaluated: 2021-04-15. Review status: criteria provided, single submitter. Criteria: Invitae Variant Classification Sherloc (09022015). Collection method: clinical testing. Allele origin: germline.
Comment: This sequence change replaces leucine with arginine at codon 27 of the PNPLA6 protein (p.Leu27Arg). The leucine residue is moderately conserved and there is a moderate physicochemical difference between leucine and arginine. This variant is not present in population databases (ExAC no frequency). This variant has not been reported in the literature in individuals with PNPLA6-related conditions. Algorithms developed to predict the effect of missense changes on protein structure and function are either unavailable or do not agree on the potential impact of this missense change (SIFT: "Deleterious"; PolyPhen-2: "Probably Damaging"; Align-GVGD: "Class C0"). In summary, the available evidence is currently insufficient to determine the role of this variant in disease. Therefore, it has been classified as a Variant of Uncertain Significance.

NM_001166114.2(PNPLA6):c.197T>G (p.Leu66Arg)

Gene: PNPLA6 (patatin like domain 6, lysophospholipase; plus strand). Cytogenetic location: 19p13.2.
Variant type: single nucleotide variant.
Coding change: c.197T>G on transcript NM_001166114.2 (MANE Select); coding-DNA position 197, T replaced by G.
Protein change: p.Leu66Arg; replaces leucine 66 with arginine.
Molecular consequence: missense variant.
Genome position (GRCh38, 1-based): chr19:7,535,985, T>G. VCF-style: chr19-7535985-T-G. GRCh37 (hg19) VCF-style: chr19-7600871-T-G.
Other names: c.224T>G, p.Leu75Arg (NM_001166111.2); c.80T>G, p.Leu27Arg (NM_001166112.2, NM_001166113.1, NM_006702.5); short protein forms L27R, L66R, L75R.
Identifiers: ClinVar variation 1345601 (VCV001345601.8), dbSNP rs2146037449, ClinGen allele CA403096572.